The following is an entry in ClinVar:

ClinVar aggregate classification (germline): Likely pathogenic (1 of 4 stars; one submission).

Conditions:
Complex cortical dysplasia with other brain malformations 6. Identifiers: MedGen C4014283, MONDO:0014341, OMIM 615771.

Submission:

GeneDx
Classification: Likely pathogenic. Last evaluated: 2025-10-08. Review status: criteria provided, single submitter. Criteria: GeneDx Variant Classification Process June 2021. Collection method: clinical testing. Allele origin: germline. Affected: yes.
Comment: Not observed at significant frequency in large population cohorts (gnomAD); In silico analysis supports that this missense variant has a deleterious effect on protein structure/function; Has not been previously published as pathogenic or benign to our knowledge

NM_178014.4(TUBB):c.917G>C (p.Arg306Pro)

Gene: TUBB (tubulin beta class I; plus strand). Cytogenetic location: 6p21.33.
Variant type: single nucleotide variant.
Coding change: c.917G>C on transcript NM_178014.4 (MANE Select); coding-DNA position 917, G replaced by C.
Protein change: p.Arg306Pro; replaces arginine 306 with proline.
Molecular consequence: missense variant. On other transcripts: non-coding transcript variant (1), intron variant (1).
Genome position (GRCh38, 1-based): chr6:30,723,979, G>C. VCF-style: chr6-30723979-G-C. GRCh37 (hg19) VCF-style: chr6-30691756-G-C.
Other names: c.977G>C, p.Arg326Pro (NM_001293212.2); c.785G>C, p.Arg262Pro (NM_001293214.2); c.701G>C, p.Arg234Pro (NM_001293215.2, NM_001293216.2); c.370-59G>C (NM_001293213.2); short protein forms R234P, R262P, R306P, R326P.
Identifiers: ClinVar variation 1339905 (VCV001339905.4), dbSNP rs2127749740, ClinGen allele CA363149230.